The following is an entry in ClinVar:

NM_213655.5(WNK1):c.2413C>T (p.Pro805Ser)

Gene: WNK1 (WNK lysine deficient protein kinase 1; plus strand). Cytogenetic location: 12p13.33.
Variant type: single nucleotide variant.
Coding change: c.2413C>T on transcript NM_213655.5 (MANE Plus Clinical); coding-DNA position 2413, C replaced by T.
Protein change: p.Pro805Ser; replaces proline 805 with serine.
Molecular consequence: missense variant. On other transcripts: intron variant (2).
Genome position (GRCh38, 1-based): chr12:867,884, C>T. VCF-style: chr12-867884-C-T. GRCh37 (hg19) VCF-style: chr12-977050-C-T.
Other names: c.2158C>T, p.Pro720Ser (NM_001184985.2); c.2140-3381C>T (NM_018979.4, NM_014823.3); short protein forms P720S, P805S.
Identifiers: ClinVar variation 1790915 (VCV001790915.5), dbSNP rs940318750, ClinGen allele CA231498334.
Genomic context (GRCh38, chr12:867,884, plus strand): 5'-ATATGAATGTATGAATTACTTGTCTTATTCATGTTGATACAGCCTCAGTCCATGGCGCAT[C>T]CGTGTGGGGGGACCCCAACATACCCAGAATCACAGATATTTTTCCCAACTATTCATGAAC-3'
Protein context (NP_998820.3, residues 795-815): FVSTPQSMAH[Pro805Ser]CGGTPTYPES

ClinVar aggregate classification (germline): Uncertain significance. Review status: criteria provided, multiple submitters, no conflicts (2 of 4 stars). 2 submissions from 2 submitters: Uncertain significance (2). Last evaluated 2023-10-06.

Conditions:
Inborn genetic diseases. Identifiers: MedGen C0950123, MeSH D030342.
Pseudohypoaldosteronism type 2C (PHA2C). Also called: Pseudohypoaldosteronism Type IIC. Identifiers: Orphanet 757, Orphanet 88940, MedGen C1840391, MONDO:0013778, OMIM 614492.
Neuropathy, hereditary sensory and autonomic, type 2A (HSAN2A). Also called: ACROOSTEOLYSIS, GIACCAI TYPE; ACROOSTEOLYSIS, NEUROGENIC; MORVAN DISEASE; NEUROPATHY, CONGENITAL SENSORY; NEUROPATHY, HEREDITARY SENSORY RADICULAR, AUTOSOMAL RECESSIVE; HSAN IIA. Identifiers: Orphanet 970, MedGen C2752089, MONDO:0024309, OMIM 201300.

Allele frequency attached by ClinVar (database versions not stated): gnomAD exomes below 0.00001; TOPMed 0.00002; gnomAD 0.00003.
gnomAD v4.1: 5 of 1,613,860 alleles (0.00031%); highest among the groups gnomAD compares: African/African-American, 0.0067%; no homozygotes.

Submissions (2):

Labcorp Genetics (formerly Invitae), Labcorp
Classification: Uncertain significance for Neuropathy, hereditary sensory and autonomic, type 2A; Pseudohypoaldosteronism type 2C. Last evaluated: 2023-10-06. Review status: criteria provided, single submitter. Criteria: Invitae Variant Classification Sherloc (09022015). Collection method: clinical testing. Allele origin: germline.
Comment: This sequence change replaces proline, which is neutral and non-polar, with serine, which is neutral and polar, at codon 805 of the WNK1 protein (p.Pro805Ser). This variant is present in population databases (no rsID available, gnomAD 0.01%). This variant has not been reported in the literature in individuals affected with WNK1-related conditions. ClinVar contains an entry for this variant (Variation ID: 1790915). Advanced modeling of protein sequence and biophysical properties (such as structural, functional, and spatial information, amino acid conservation, physicochemical variation, residue mobility, and thermodynamic stability) performed at Invitae indicates that this missense variant is not expected to disrupt WNK1 protein function. In summary, the available evidence is currently insufficient to determine the role of this variant in disease. Therefore, it has been classified as a Variant of Uncertain Significance.

Ambry Genetics
Classification: Uncertain significance for Inborn genetic diseases. Last evaluated: 2021-03-20. Review status: criteria provided, single submitter. Criteria: Ambry Variant Classification Scheme 2023. Collection method: clinical testing. Allele origin: germline.
Comment: The p.P805S variant (also known as c.2413C>T), located in coding exon 10 of the WNK1 gene, results from a C to T substitution at nucleotide position 2413. The proline at codon 805 is replaced by serine, an amino acid with similar properties. This amino acid position is highly conserved in available vertebrate species. In addition, this alteration is predicted to be tolerated by in silico analysis. Since supporting evidence is limited at this time, the clinical significance of this alteration remains unclear.